The following is an entry in ClinVar:

NM_001297.5(CNGB1):c.2449G>A (p.Gly817Ser)

Gene: CNGB1 (cyclic nucleotide gated channel subunit beta 1; minus strand). Cytogenetic location: 16q21.
Variant type: single nucleotide variant.
Coding change: c.2449G>A on transcript NM_001297.5 (MANE Select); coding-DNA position 2449, G replaced by A.
Protein change: p.Gly817Ser; replaces glycine 817 with serine.
Molecular consequence: missense variant.
Genome position (GRCh38, 1-based): chr16:57,911,796, C>T on the plus strand (G>A on the coding strand, the complement: CNGB1 is on the minus strand). VCF-style: chr16-57911796-C-T. GRCh37 (hg19) VCF-style: chr16-57945700-C-T.
Other names: c.2431G>A, p.Gly811Ser (NM_001286130.2); short protein forms G811S, G817S.
Identifiers: ClinVar variation 936947 (VCV000936947.9), dbSNP rs1960722338, ClinGen allele CA396061061.

ClinVar aggregate classification (germline): Uncertain significance (1 of 4 stars; one submission).

Allele frequency attached by ClinVar (database versions not stated): gnomAD exomes below 0.00001.
gnomAD v4.1: 2 of 1,614,086 alleles (0.00012%); highest among the groups gnomAD compares: Admixed American, 0.0017%; no homozygotes.

Submission:

Labcorp Genetics (formerly Invitae), Labcorp
Classification: Uncertain significance. Last evaluated: 2022-07-19. Review status: criteria provided, single submitter. Criteria: Invitae Variant Classification Sherloc (09022015). Collection method: clinical testing. Allele origin: germline.
Comment: In summary, the available evidence is currently insufficient to determine the role of this variant in disease. Therefore, it has been classified as a Variant of Uncertain Significance. Advanced modeling of protein sequence and biophysical properties (such as structural, functional, and spatial information, amino acid conservation, physicochemical variation, residue mobility, and thermodynamic stability) performed at Invitae indicates that this missense variant is expected to disrupt CNGB1 protein function. ClinVar contains an entry for this variant (Variation ID: 936947). This variant has not been reported in the literature in individuals affected with CNGB1-related conditions. This variant is not present in population databases (gnomAD no frequency). This sequence change replaces glycine, which is neutral and non-polar, with serine, which is neutral and polar, at codon 817 of the CNGB1 protein (p.Gly817Ser).